The following is an entry in ClinVar:

NM_004613.4(TGM2):c.1170G>A (p.Ala390=)

Gene: TGM2 (transglutaminase 2; minus strand). Cytogenetic location: 20q11.23.
Variant type: single nucleotide variant.
Coding change: c.1170G>A on transcript NM_004613.4 (MANE Select); coding-DNA position 1170, G replaced by A.
Protein change: p.Ala390=; no amino-acid change (alanine 390 retained).
Molecular consequence: synonymous variant.
Genome position (GRCh38, 1-based): chr20:38,139,584, C>T on the plus strand (G>A on the coding strand, the complement: TGM2 is on the minus strand). VCF-style: chr20-38139584-C-T. GRCh37 (hg19) VCF-style: chr20-36767986-C-T.
Other names: c.1170G>A, p.Ala390= (NM_001323316.2, NM_198951.3); c.927G>A, p.Ala309= (NM_001323317.2); c.990G>A, p.Ala330= (NM_001323318.2).
Identifiers: ClinVar variation 770468 (VCV000770468.27), dbSNP rs2229470, ClinGen allele CA9850317.

ClinVar aggregate classification (germline): Benign. Review status: criteria provided, multiple submitters, no conflicts (2 of 4 stars). 3 submissions from 3 submitters: Benign (3). Last evaluated 2024-02-01.

Allele frequency attached by ClinVar (database versions not stated): 1000 Genomes Project 0.00419; 1000 Genomes Project 30x 0.00453; ESP Exome Variant Server 0.00677; gnomAD 0.00679 and 0.00689; TOPMed 0.00686; gnomAD exomes 0.00830 and 0.00867; ExAC 0.00847.
gnomAD v4.1: 13,358 of 1,614,164 alleles (0.83%); highest among the groups gnomAD compares: Middle Eastern, 3.1%; 107 homozygotes.

Submissions (3):

CeGaT Center for Human Genetics Tuebingen
Classification: Benign. Last evaluated: 2024-02-01. Review status: criteria provided, single submitter. Criteria: CeGaT Center For Human Genetics Tuebingen Variant Classification Criteria Version 2. Collection method: clinical testing. Allele origin: germline. Affected: yes. Observed: 1 variant allele.
Comment: TGM2: BP4, BP7, BS1, BS2

Labcorp Genetics (formerly Invitae), Labcorp
Classification: Benign. Last evaluated: 2019-12-31. Review status: criteria provided, single submitter. Criteria: Invitae Variant Classification Sherloc (09022015). Collection method: clinical testing. Allele origin: germline.

Breakthrough Genomics
Classification: Benign. Review status: criteria provided, single submitter. Criteria: ACMG Guidelines, 2015. Collection method: not provided. Allele origin: germline. Inheritance: Unknown mechanism. Affected: yes.